The following is an entry in ClinVar:

NM_007294.4(BRCA1):c.223G>T (p.Glu75Ter)

Gene: BRCA1 (BRCA1 DNA repair associated; minus strand). Cytogenetic location: 17q21.31.
Variant type: single nucleotide variant.
Coding change: c.223G>T on transcript NM_007294.4 (MANE Select); coding-DNA position 223, G replaced by T.
Protein change: p.Glu75Ter; replaces glutamic acid 75 with a stop codon.
Molecular consequence: nonsense. On other transcripts: non-coding transcript variant (1).
Genome position (GRCh38, 1-based): chr17:43,104,946, C>A on the plus strand (G>T on the coding strand, the complement: BRCA1 is on the minus strand). VCF-style: chr17-43104946-C-A. GRCh37 (hg19) VCF-style: chr17-41256963-C-A.
Other names: c.82G>T, p.Glu28Ter (NM_001408410.1, NM_001408452.1, NM_001408453.1 and 99 more transcripts); c.145G>T, p.Glu49Ter (NM_001408411.1, NM_001408412.1, NM_001408413.1 and 21 more transcripts); c.223G>T, p.Glu75Ter (NM_001408418.1, NM_001408419.1, NM_001408420.1 and 168 more transcripts); c.91G>T, p.Glu31Ter (NM_001408451.1); c.13G>T, p.Glu5Ter (NM_001408478.1, NM_001408479.1, NM_001408480.1 and 58 more transcripts); c.-159G>T (NM_001408510.1, NM_001408512.1, NM_001407959.1 and 4 more transcripts); short protein forms E28*, E75*, E31*, E5*, E49*.
Identifiers: ClinVar variation 867358 (VCV000867358.5), dbSNP rs1567811244, ClinGen allele CA10601716.

ClinVar aggregate classification (germline): Pathogenic (1 of 4 stars; one submission).

Conditions:
Breast-ovarian cancer, familial, susceptibility to, 1 (BROVCA1). Also called: BRCA1 Hereditary Breast and Ovarian Cancer; OVARIAN CANCER, SUSCEPTIBILITY TO. Identifiers: Orphanet 145, MedGen C2676676, MONDO:0011450, OMIM 604370. Disease mechanism: loss of function.

Submissions (2):

Myriad Genetics, Inc.
Classification: Pathogenic for Breast-ovarian cancer, familial, susceptibility to, 1. Last evaluated: 2025-07-07. Review status: criteria provided, single submitter. Criteria: Myriad Autosomal Dominant, Autosomal Recessive and X-Linked Classification Criteria (2023). Collection method: clinical testing. Allele origin: unknown.
Comment: This variant is considered pathogenic. This variant creates a termination codon and is predicted to result in premature protein truncation.

Brotman Baty Institute, University of Washington
No classification provided (evidence only). Condition: Breast-ovarian cancer, familial 1. Review status: no classification provided. Collection method: in vitro. Allele origin: not applicable. Functional consequence: functionally_abnormal. Not counted in ClinVar's aggregate classification.
ClinVar note: "not provided" was previously submitted as the classification for the variant. However, the classification appeared to be based only on an observation of functional data so it was converted to no classification on 2025-07-30.